The following is an entry in ClinVar:

ClinVar aggregate classification (germline): Uncertain significance (1 of 4 stars; one submission).

Submission:

Labcorp Genetics (formerly Invitae), Labcorp
Classification: Uncertain significance. Last evaluated: 2022-11-08. Review status: criteria provided, single submitter. Criteria: Invitae Variant Classification Sherloc (09022015). Collection method: clinical testing. Allele origin: germline.
Comment: In summary, the available evidence is currently insufficient to determine the role of this variant in disease. Therefore, it has been classified as a Variant of Uncertain Significance. Algorithms developed to predict the effect of missense changes on protein structure and function (SIFT, PolyPhen-2, Align-GVGD) all suggest that this variant is likely to be disruptive. This variant has not been reported in the literature in individuals affected with SAR1B-related conditions. This variant is not present in population databases (gnomAD no frequency). This sequence change replaces proline, which is neutral and non-polar, with leucine, which is neutral and non-polar, at codon 139 of the SAR1B protein (p.Pro139Leu).

NM_016103.4(SAR1B):c.416C>T (p.Pro139Leu)

Gene: SAR1B (secretion associated Ras related GTPase 1B; minus strand). Cytogenetic location: 5q31.1.
Variant type: single nucleotide variant.
Coding change: c.416C>T on transcript NM_016103.4 (MANE Select); coding-DNA position 416, C replaced by T.
Protein change: p.Pro139Leu; replaces proline 139 with leucine.
Molecular consequence: missense variant.
Genome position (GRCh38, 1-based): chr5:134,608,436, G>A on the plus strand (C>T on the coding strand, the complement: SAR1B is on the minus strand). VCF-style: chr5-134608436-G-A. GRCh37 (hg19) VCF-style: chr5-133944126-G-A.
Other names: c.416C>T, p.Pro139Leu (NM_001033503.3); short protein forms P139L.
Identifiers: ClinVar variation 2115610 (VCV002115610.4), dbSNP rs2484106044, ClinGen allele CA361000148.